The following is an entry in ClinVar:

NM_000051.4(ATM):c.2720_2723del (p.Leu906_Cys907insTer)

Gene: ATM (ATM serine/threonine kinase; plus strand). Cytogenetic location: 11q22.3.
Variant type: Microsatellite.
Coding change: c.2720_2723del on transcript NM_000051.4 (MANE Select); coding-DNA positions 2720 to 2723, 4 bases deleted (GTGT; older notation c.2720_2723delGTGT).
Protein change: p.Leu906_Cys907insTer.
Molecular consequence: nonsense.
Genome position (GRCh38, 1-based): chr11:108,268,491-108,268,494, GTGT deleted; deleting any 4 consecutive bases within chr11:108,268,488-108,268,494 gives the same sequence; the c. name uses the placement nearest the transcript's 3' end. VCF-style (leftmost placement, unchanged base first): chr11-108268487-TTGTG-T. GRCh37 (hg19) VCF-style: chr11-108139214-TTGTG-T.
Other names: c.2720_2723delGTGT (NM_000051.3); c.2720_2723del, p.Leu906_Cys907insTer (NM_001351834.2).
Identifiers: ClinVar variation 186103 (VCV000186103.25), dbSNP rs786202695, ClinGen allele CA193874.

ClinVar aggregate classification (germline): Pathogenic. Review status: criteria provided, multiple submitters, no conflicts (2 of 4 stars). 8 submissions from 8 submitters: Pathogenic (7). 1 of the submissions does not count toward it. Last evaluated 2025-10-31.

Conditions:
ATM-related cancer predisposition. Also called: ATM-related cancer susceptibility. Identifiers: MedGen CN377759, MONDO:0700270.
Hereditary cancer-predisposing syndrome. Also called: Hereditary Cancer Syndrome; Neoplastic Syndromes, Hereditary; Tumor predisposition; Hereditary neoplastic syndrome. Identifiers: Orphanet 140162, MedGen C0027672, MeSH D009386, MONDO:0015356.
Familial cancer of breast. Also called: BREAST CANCER, FAMILIAL; hereditary breast carcinoma; Hereditary breast cancer. Identifiers: Orphanet 227535, MedGen C0346153, MONDO:0016419, OMIM 114480. Disease mechanism: loss of function.
Ataxia-telangiectasia syndrome (AT). Also called: ATAXIA-TELANGIECTASIA, COMPLEMENTATION GROUP A; ATAXIA-TELANGIECTASIA, FRESNO VARIANT; Ataxia-telangiectasia; LOUIS-BAR SYNDROME; Ataxia telangiectasia (A-T); Ataxia-telangiectasia, complementation group D. Identifiers: Orphanet 100, MedGen C0004135, MONDO:0008840, OMIM 208900.

Submissions (8):

Labcorp Genetics (formerly Invitae), Labcorp
Classification: Pathogenic for Ataxia-telangiectasia syndrome. Last evaluated: 2025-10-31. Review status: criteria provided, single submitter. Criteria: Invitae Variant Classification Sherloc (09022015). Collection method: clinical testing. Allele origin: germline.
Comment: This sequence change creates a premature translational stop signal (p.Cys907*) in the ATM gene. It is expected to result in an absent or disrupted protein product. Loss-of-function variants in ATM are known to be pathogenic (PMID: 23807571, 25614872). This variant is not present in population databases (gnomAD no frequency). This premature translational stop signal has been observed in individual(s) with chronic lymphocytic leukemia and ataxia-telangiectasia (PMID: 10817650, 21933854). For these reasons, this variant has been classified as Pathogenic.

Dasa
Classification: Pathogenic for ATM-related cancer predisposition. Last evaluated: 2025-03-18. Review status: criteria provided, single submitter. Criteria: DASA Assertion Criteria. Collection method: clinical testing. Allele origin: germline.
Comment: NM_000051.4(ATM):c.2720_2723del (p.Cys907*) introduces a premature termination codon predicted to result in loss of normal protein function. Loss-of-function is an established mechanism of disease for this gene. The affected residue or protein region has prior evidence supporting clinical relevance. This variant has been reported in individuals with ATM-related cancer predisposition. The variant is present at low frequency in population datasets. Based on the available data, this variant is classified as pathogenic.

Myriad Genetics, Inc.
Classification: Pathogenic for Familial cancer of breast. Last evaluated: 2024-01-18. Review status: criteria provided, single submitter. Criteria: Myriad Autosomal Dominant, Autosomal Recessive and X-Linked Classification Criteria (2023). Collection method: clinical testing. Allele origin: unknown.
Comment: This variant is considered pathogenic. This variant creates a termination codon and is predicted to result in premature protein truncation.

Baylor Genetics
Classification: Pathogenic for Familial cancer of breast. Last evaluated: 2023-02-17. Review status: criteria provided, single submitter. Criteria: ACMG Guidelines, 2015. Collection method: clinical testing. Allele origin: unknown.

Ambry Genetics
Classification: Pathogenic for Hereditary cancer-predisposing syndrome. Last evaluated: 2022-04-14. Review status: criteria provided, single submitter. Criteria: Ambry Variant Classification Scheme 2023. Collection method: clinical testing. Allele origin: germline.
Comment: The c.2720_2723delGTGT pathogenic mutation, located in coding exon 17 of the ATM gene, results from a deletion of 4 nucleotides at nucleotide positions 2720 to 2723, causing a translational frameshift with a predicted alternate stop codon (p.C907*). This alteration was previously reported in a cohort of 37 patients with a clinical diagnosis of ataxia telangiectasia (A-T) (Li A, Am. J. Med. Genet. 2000 May; 92(3):170-7). It has also been described in two unrelated Italian families with A-T that share the same haplotype, suggesting that it is a rare founder mutation (Chessa L, et al. Ann. Hum. Genet. 2009 Sep; 73(Pt 5):532-9). Of note, this alteration has also been designated as 2720_2723delTGTG in the published literature. This variant is considered to be rare based on population cohorts in the Genome Aggregation Database (gnomAD). This alteration is expected to result in loss of function by premature protein truncation or nonsense-mediated mRNA decay. As such, this alteration is interpreted as a disease-causing mutation.

Color Diagnostics, LLC DBA Color Health
Classification: Pathogenic for Hereditary cancer-predisposing syndrome. Last evaluated: 2021-06-02. Review status: criteria provided, single submitter. Criteria: ACMG Guidelines, 2015. Collection method: clinical testing. Allele origin: germline.
Comment: This variant deletes 4 nucleotides in exon 18 of the ATM gene, creating a frameshift and premature translation stop signal. This variant is expected to result in an absent or non-functional protein product. This variant has been reported in individuals affected with ataxia telangiectasia (PMID: 10817650, 19691550). This variant has not been identified in the general population by the Genome Aggregation Database (gnomAD). Loss of ATM function is a known mechanism of disease. Based on the available evidence, this variant is classified as Pathogenic.

Genetic Services Laboratory, University of Chicago
Classification: Pathogenic for Ataxia-telangiectasia. Last evaluated: 2015-07-17. Review status: criteria provided, single submitter. Criteria: ACMG Guidelines, 2015. Collection method: clinical testing. Allele origin: germline. Affected: yes.

Natera, Inc.
Classification: Pathogenic for Ataxia-telangiectasia. Last evaluated: 2020-09-16. Review status: no assertion criteria provided. Collection method: clinical testing. Allele origin: germline. Not counted in ClinVar's aggregate classification.

Literature cited by the submitters: PubMed 23807571 (cited by Labcorp Genetics (formerly Invitae), Labcorp); PubMed 25614872 (cited by Labcorp Genetics (formerly Invitae), Labcorp); PubMed 10817650 (cited by Labcorp Genetics (formerly Invitae), Labcorp and Ambry Genetics); PubMed 21933854 (cited by Labcorp Genetics (formerly Invitae), Labcorp and Ambry Genetics); PubMed 19691550 (cited by Ambry Genetics).